The following is an entry in ClinVar:

ClinVar aggregate classification (germline): Likely benign (1 of 4 stars; one submission).

Submission:

CeGaT Center for Human Genetics Tuebingen
Classification: Likely benign. Last evaluated: 2026-02-01. Review status: criteria provided, single submitter. Criteria: CeGaT Center For Human Genetics Tuebingen Variant Classification Criteria Version 2. Collection method: clinical testing. Allele origin: germline. Affected: yes. Observed: 1 variant allele.
Comment: NOVA2: BP4

NM_002516.4(NOVA2):c.-110C>T

Gene: NOVA2 (NOVA alternative splicing regulator 2; minus strand). Cytogenetic location: 19q13.32.
Variant type: single nucleotide variant.
Coding change: c.-110C>T on transcript NM_002516.4 (MANE Select); 110 bases upstream of the start codon, C replaced by T.
Molecular consequence: 5 prime UTR variant.
Genome position (GRCh38, 1-based): chr19:45,973,461, G>A on the plus strand (C>T on the coding strand, the complement: NOVA2 is on the minus strand). VCF-style: chr19-45973461-G-A. GRCh37 (hg19) VCF-style: chr19-46476719-G-A.
Identifiers: ClinVar variation 4823343 (VCV004823343.4).
Genomic context (GRCh38, chr19:45,973,461, plus strand): 5'-GGCGGCGGCGGCTGCTGTGGCGGCGGCGACGGCTGCTGGGGAGGCTGGGGTTGCGGCGGC[G>A]GCGGCGGCGGGGGCGGCGGCGGCTGCGGGGCCGCGGAGGCCGTGAAGAGGCCGTGCACCG-3'